The following is an entry in ClinVar:

ClinVar aggregate classification (germline): Uncertain significance. Review status: criteria provided, multiple submitters, no conflicts (2 of 4 stars). 3 submissions from 3 submitters: Uncertain significance (3). Last evaluated 2025-06-07.

Conditions:
COG8-congenital disorder of glycosylation. Also called: CDG IIh; COG8-CDG. Identifiers: Orphanet 95428, MedGen C1970021, MONDO:0012635, OMIM 611182.
Inborn genetic diseases. Identifiers: MedGen C0950123, MeSH D030342.

Allele frequency attached by ClinVar (database versions not stated): gnomAD 0.00001; gnomAD exomes 0.00002; TOPMed 0.00002.

Submissions (3):

Ambry Genetics
Classification: Uncertain significance for Inborn genetic diseases. Last evaluated: 2025-06-07. Review status: criteria provided, single submitter. Criteria: Ambry Variant Classification Scheme 2023. Collection method: clinical testing. Allele origin: germline.

Blueprint Genetics
Classification: Uncertain significance. Last evaluated: 2023-07-19. Review status: criteria provided, single submitter. Criteria: ACMG Guidelines, 2015. Collection method: clinical testing. Allele origin: germline.

Victorian Clinical Genetics Services, Murdoch Childrens Research Institute
Classification: Uncertain significance for COG8-congenital disorder of glycosylation. Last evaluated: 2021-05-06. Review status: criteria provided, single submitter. Criteria: ACMG Guidelines, 2015. Collection method: clinical testing. Allele origin: germline. Inheritance: Autosomal recessive inheritance. Affected: yes.
Comment: Based on the classification scheme VCGS_Germline_v1.3.4, this variant is classified as VUS-3B. Following criteria are met: 0102 - Loss of function is a known mechanism of disease in this gene and is associated with congenital disorder of glycosylation, type IIh (MIM#611182). (I) 0106 - This gene is associated with autosomal recessive disease. (I) 0200 - Variant is predicted to result in a missense amino acid change from isoleucine to threonine. (I) 0251 - This variant is heterozygous. (I) 0304 - Variant is present in gnomAD (v2, v3) <0.01 for a recessive condition (2 heterozygotes, 0 homozygotes). (SP) 0502 - Missense variant with conflicting in silico predictions and uninformative conservation. (I) 0604 - Variant is not located in an established domain, motif, hotspot or informative constraint region. (I) 0705 - No comparable missense variants have previous evidence for pathogenicity. (I) 0807 - This variant has no previous evidence of pathogenicity. (I) 0905 - No published segregation evidence has been identified for this variant. (I) 1007 - No published functional evidence has been identified for this variant. (I) 1208 - Inheritance information for this variant is not currently available in this individual. (I) Legend: (SP) - Supporting pathogenic, (I) - Information, (SB) - Supporting benign

NM_032382.5(COG8):c.1643T>C (p.Ile548Thr)

Gene: COG8 (component of oligomeric golgi complex 8; minus strand). Cytogenetic location: 16q22.1.
Variant type: single nucleotide variant.
Coding change: c.1643T>C on transcript NM_032382.5 (MANE Select); coding-DNA position 1643, T replaced by C.
Protein change: p.Ile548Thr; replaces isoleucine 548 with threonine.
Molecular consequence: missense variant. On other transcripts: intron variant (2).
Genome position (GRCh38, 1-based): chr16:69,331,035, A>G on the plus strand (T>C on the coding strand, the complement: COG8 is on the minus strand). VCF-style: chr16-69331035-A-G. GRCh37 (hg19) VCF-style: chr16-69364938-A-G.
Other names: c.1784T>C, p.Ile595Thr (NM_001379261.1); c.1643T>C, p.Ile548Thr (NM_001379262.1, NM_001379264.1); c.1682T>C, p.Ile561Thr (NM_001379263.1); c.1414-1856T>C (NM_001379266.1); c.1582+1679T>C (NM_001379265.1); short protein forms I548T, I561T, I595T.
Identifiers: ClinVar variation 1806172 (VCV001806172.3), dbSNP rs111336106, ClinGen allele CA283353447.